The following is an entry in ClinVar:

ClinVar aggregate classification (germline): Uncertain significance (1 of 4 stars; one submission).

Allele frequency attached by ClinVar (database versions not stated): gnomAD exomes below 0.00001; TOPMed below 0.00001; gnomAD 0.00001.
gnomAD v4.1: 3 of 1,591,770 alleles (0.00019%); highest among the groups gnomAD compares: African/African-American, 0.004%; no homozygotes.

Submission:

Labcorp Genetics (formerly Invitae), Labcorp
Classification: Uncertain significance. Last evaluated: 2022-08-10. Review status: criteria provided, single submitter. Criteria: Invitae Variant Classification Sherloc (09022015). Collection method: clinical testing. Allele origin: germline.
Comment: Variants that disrupt the consensus splice site are a relatively common cause of aberrant splicing (PMID: 17576681, 9536098). Algorithms developed to predict the effect of sequence changes on RNA splicing suggest that this variant is not likely to affect RNA splicing. In summary, the available evidence is currently insufficient to determine the role of this variant in disease. Therefore, it has been classified as a Variant of Uncertain Significance. This variant has not been reported in the literature in individuals affected with TENM3-related conditions. This variant is present in population databases (no rsID available, gnomAD 0.01%). This sequence change falls in intron 26 of the TENM3 gene. It does not directly change the encoded amino acid sequence of the TENM3 protein. It affects a nucleotide within the consensus splice site.

Literature cited by the submitters: PubMed 17576681; PubMed 9536098.

NM_001080477.4(TENM3):c.7213+4A>G

Gene: TENM3 (teneurin transmembrane protein 3; plus strand). Cytogenetic location: 4q35.1.
Variant type: single nucleotide variant.
Coding change: c.7213+4A>G on transcript NM_001080477.4 (MANE Select); 4 bases into the intron after coding-DNA position 7213, A replaced by G.
Molecular consequence: intron variant.
Genome position (GRCh38, 1-based): chr4:182,793,889, A>G. VCF-style: chr4-182793889-A-G. GRCh37 (hg19) VCF-style: chr4-183715042-A-G.
Identifiers: ClinVar variation 1973887 (VCV001973887.5), dbSNP rs1475360913, ClinGen allele CA556958765.